The following is an entry in ClinVar:

NM_001349253.2(SCN11A):c.713G>A (p.Arg238His)

Gene: SCN11A (sodium voltage-gated channel alpha subunit 11; minus strand). Cytogenetic location: 3p22.2.
Variant type: single nucleotide variant.
Coding change: c.713G>A on transcript NM_001349253.2 (MANE Select); coding-DNA position 713, G replaced by A.
Protein change: p.Arg238His; replaces arginine 238 with histidine.
Molecular consequence: missense variant.
Genome position (GRCh38, 1-based): chr3:38,921,255, C>T on the plus strand (G>A on the coding strand, the complement: SCN11A is on the minus strand). VCF-style: chr3-38921255-C-T. GRCh37 (hg19) VCF-style: chr3-38962746-C-T.
Other names: c.713G>A, p.Arg238His (NM_014139.3); short protein forms R238H.
Identifiers: ClinVar variation 3749997 (VCV003749997.2).
Genomic context (GRCh38, chr3:38,921,255, plus strand): 5'-ATAATCACGTTGACCAGCTTCTTCACAGAGCGTAGCAAGGCCCCCACGATGACCTTCAGA[C>T]CTGAGAAAGAGGACAGGCTTGGGGAGAAGCCCATCCCCCTCAGCCAGACACTCACAAAGG-3'
Protein context (NP_001336182.1, residues 228-248): RALKAISVVS[Arg238His]LKVIVGALLR

ClinVar aggregate classification (germline): Uncertain significance (1 of 4 stars; one submission).

Conditions:
Hereditary sensory and autonomic neuropathy type 7. Also called: HSAN VII; Neuropathy, hereditary sensory and autonomic, type VII. Identifiers: Orphanet 391397, MedGen C3809882, MONDO:0014244, OMIM 615548.
Familial episodic pain syndrome with predominantly lower limb involvement. Also called: Episodic pain syndrome, familial, 3. Identifiers: Orphanet 391384, Orphanet 391392, MedGen C3809899, MONDO:0014247, OMIM 615552.

gnomAD v4.1: 1 of 1,613,506 alleles (0.000062%); highest among the groups gnomAD compares: Non-Finnish European, 0.000085%; no homozygotes.

Submission:

Labcorp Genetics (formerly Invitae), Labcorp
Classification: Uncertain significance for Familial episodic pain syndrome with predominantly lower limb involvement; Hereditary sensory and autonomic neuropathy type 7. Last evaluated: 2024-07-17. Review status: criteria provided, single submitter. Criteria: Invitae Variant Classification Sherloc (09022015). Collection method: clinical testing. Allele origin: germline.
Comment: This sequence change replaces arginine, which is basic and polar, with histidine, which is basic and polar, at codon 238 of the SCN11A protein (p.Arg238His). This variant is not present in population databases (gnomAD no frequency). This variant has not been reported in the literature in individuals affected with SCN11A-related conditions. An algorithm developed to predict the effect of missense changes on protein structure and function (PolyPhen-2) suggests that this variant is likely to be tolerated. In summary, the available evidence is currently insufficient to determine the role of this variant in disease. Therefore, it has been classified as a Variant of Uncertain Significance.